The following is an entry in ClinVar:

ClinVar aggregate classification (germline): Likely benign (1 of 4 stars; one submission).

Conditions:
UNC13A-related disorder. Also called: UNC13A-related condition.

gnomAD v4.1: 89 of 1,614,050 alleles (0.0055%); highest among the groups gnomAD compares: Non-Finnish European, 0.0075%; no homozygotes.

Submission:

PreventionGenetics, part of Exact Sciences
Classification: Likely benign for UNC13A-related condition. Last evaluated: 2025-02-13. Review status: criteria provided, single submitter. Criteria: ACMG Guidelines, 2015. Collection method: clinical testing. Allele origin: germline.
Comment: This variant is classified as likely benign based on ACMG/AMP sequence variant interpretation guidelines (Richards et al. 2015 PMID: 25741868, with internal and published modifications).

NM_001080421.3(UNC13A):c.1704C>T (p.Tyr568=)

Gene: UNC13A (unc-13 homolog A; minus strand). Cytogenetic location: 19p13.11.
Variant type: single nucleotide variant.
Coding change: c.1704C>T on transcript NM_001080421.3 (MANE Select); coding-DNA position 1704, C replaced by T.
Protein change: p.Tyr568=; no amino-acid change (tyrosine 568 retained).
Molecular consequence: synonymous variant.
Genome position (GRCh38, 1-based): chr19:17,648,543, G>A on the plus strand (C>T on the coding strand, the complement: UNC13A is on the minus strand). VCF-style: chr19-17648543-G-A. GRCh37 (hg19) VCF-style: chr19-17759352-G-A.
Other names: c.1698C>T, p.Tyr566= (NM_001387021.1, NM_001387022.1, NM_001387023.1).
Identifiers: ClinVar variation 4986190 (VCV004986190.1).
Genomic context (GRCh38, chr19:17,648,543, plus strand): 5'-ACCGCACTCGGTGCAGCGCATGCCCTGCCTCGCGATGCCCCACAGCAGCCCCTCGCACTC[G>A]TAGCAGTAGGTGGGCGTGGTGGCCGTCCACACTTCGAAGTTGTGTGGCGTCGTGCACGAG-3'
Protein context (NP_001073890.2, residues 558-578): VWTATTPTYC[Tyr568=]ECEGLLWGIA